The following is an entry in ClinVar:

NM_001733.7(C1R):c.858G>C (p.Leu286=)

Gene: C1R (complement C1r; minus strand). Cytogenetic location: 12p13.31.
Variant type: single nucleotide variant.
Coding change: c.858G>C on transcript NM_001733.7 (MANE Select); coding-DNA position 858, G replaced by C.
Protein change: p.Leu286=; no amino-acid change (leucine 286 retained).
Molecular consequence: synonymous variant.
Genome position (GRCh38, 1-based): chr12:7,088,897, C>G on the plus strand (G>C on the coding strand, the complement: C1R is on the minus strand). VCF-style: chr12-7088897-C-G. GRCh37 (hg19) VCF-style: chr12-7241493-C-G.
Other names: c.900G>C, p.Leu300= (NM_001354346.2).
Identifiers: ClinVar variation 4822670 (VCV004822670.4).

ClinVar aggregate classification (germline): Likely benign (1 of 4 stars; one submission).

gnomAD v4.1: 6 of 776,804 alleles (0.00077%); highest among the groups gnomAD compares: Admixed American, 0.0086%; no homozygotes.

Submission:

CeGaT Center for Human Genetics Tuebingen
Classification: Likely benign. Last evaluated: 2025-12-01. Review status: criteria provided, single submitter. Criteria: CeGaT Center For Human Genetics Tuebingen Variant Classification Criteria Version 2. Collection method: clinical testing. Allele origin: germline. Affected: yes. Observed: 1 variant allele.
Comment: C1R: BP4, BP7